The following is an entry in ClinVar:

ClinVar aggregate classification (germline): Uncertain significance (1 of 4 stars; one submission).

Conditions:
Hereditary breast ovarian cancer syndrome. Also called: Hereditary breast and/or ovarian cancer syndrome; Hereditary breast and ovarian cancer syndrome; Hereditary breast and ovarian cancer syndrome (HBOC); Breast and ovarian cancer; Hereditary breast and ovarian cancer; BRCA1- and BRCA2-Associated Hereditary Breast and Ovarian Cancer. Identifiers: Orphanet 145, MedGen C0677776, MeSH D061325, MONDO:0003582. Disease mechanism: loss of function.

Submission:

Labcorp Genetics (formerly Invitae), Labcorp
Classification: Uncertain significance for Hereditary breast ovarian cancer syndrome. Last evaluated: 2020-02-05. Review status: criteria provided, single submitter. Criteria: Invitae Variant Classification Sherloc (09022015). Collection method: clinical testing. Allele origin: germline.
Comment: In summary, the available evidence is currently insufficient to determine the role of this variant in disease. Therefore, it has been classified as a Variant of Uncertain Significance. Algorithms developed to predict the effect of missense changes on protein structure and function output the following: SIFT: "Tolerated"; PolyPhen-2: "Benign"; Align-GVGD: "Class C0". The serine amino acid residue is found in multiple mammalian species, suggesting that this missense change does not adversely affect protein function. These predictions have not been confirmed by published functional studies and their clinical significance is uncertain. This variant has not been reported in the literature in individuals with BRCA1-related conditions. This variant is not present in population databases (ExAC no frequency). This sequence change replaces threonine with serine at codon 150 of the BRCA1 protein (p.Thr150Ser). The threonine residue is moderately conserved and there is a small physicochemical difference between threonine and serine.

NM_007294.4(BRCA1):c.449C>G (p.Thr150Ser)

Gene: BRCA1 (BRCA1 DNA repair associated; minus strand). Cytogenetic location: 17q21.31.
Variant type: single nucleotide variant.
Coding change: c.449C>G on transcript NM_007294.4 (MANE Select); coding-DNA position 449, C replaced by G.
Protein change: p.Thr150Ser; replaces threonine 150 with serine.
Molecular consequence: missense variant. On other transcripts: non-coding transcript variant (1).
Genome position (GRCh38, 1-based): chr17:43,099,873, G>C on the plus strand (C>G on the coding strand, the complement: BRCA1 is on the minus strand). VCF-style: chr17-43099873-G-C. GRCh37 (hg19) VCF-style: chr17-41251890-G-C.
Other names: c.236C>G, p.Thr79Ser (NM_001407571.1, NM_001407853.1, NM_001407894.1 and 18 more transcripts); c.449C>G, p.Thr150Ser (NM_001407581.1, NM_001407582.1, NM_001407583.1 and 97 more transcripts); c.446C>G, p.Thr149Ser (NM_001407587.1, NM_001407590.1, NM_001407591.1 and 65 more transcripts); c.440C>G, p.Thr147Ser (NM_001407646.1, NM_001407647.1, NM_001408408.1); c.371C>G, p.Thr124Ser (NM_001407653.1, NM_001407654.1, NM_001407655.1 and 12 more transcripts); c.368C>G, p.Thr123Ser (NM_001407659.1, NM_001407660.1, NM_001407661.1 and 6 more transcripts); c.308C>G, p.Thr103Ser (NM_001407692.1, NM_001407694.1, NM_001407695.1 and 61 more transcripts); c.305C>G, p.Thr102Ser (NM_001407740.1, NM_001407741.1, NM_001407742.1 and 35 more transcripts); and 4 more; short protein forms T150S, T103S, T23S, T124S, T147S, T80S, T102S, T123S.
Identifiers: ClinVar variation 1045169 (VCV001045169.13), dbSNP rs2054306888, ClinGen allele CA10601235.
Genomic context (GRCh38, chr17:43,099,873, plus strand): 5'-CGCTGCTTTGTCCTCAGAGTTCTCACAGTTCCAAGGTTAGAGAGTTGGACACTGAGACTG[G>C]TTTCCTGCTAAACAGTATGGTAAAGAACAGTCAAGCAATTGTTGGCCAGTTCTGTGCTTT-3'
Protein context (NP_009225.1, residues 140-160): SEPENPSLQE[Thr150Ser]SLSVQLSNLG